The following is an entry in ClinVar:

ClinVar aggregate classification (germline): Likely pathogenic (1 of 4 stars; one submission).

Submission:

Labcorp Genetics (formerly Invitae), Labcorp
Classification: Likely pathogenic. Last evaluated: 2021-03-05. Review status: criteria provided, single submitter. Criteria: Invitae Variant Classification Sherloc (09022015). Collection method: clinical testing. Allele origin: germline.
Comment: In summary, the currently available evidence indicates that the variant is pathogenic, but additional data are needed to prove that conclusively. Therefore, this variant has been classified as Likely Pathogenic. This variant disrupts the p.Ser365 amino acid residue in ALDH3A2. Other variant(s) that disrupt this residue have been determined to be pathogenic (PMID: 9829906, 17902024, 31273323). This suggests that this residue is clinically significant, and that variants that disrupt this residue are likely to be disease-causing. Advanced modeling of protein sequence and biophysical properties (such as structural, functional, and spatial information, amino acid conservation, physicochemical variation, residue mobility, and thermodynamic stability) performed at Invitae indicates that this missense variant is expected to disrupt ALDH3A2 protein function. This variant has not been reported in the literature in individuals with ALDH3A2-related conditions. This variant is not present in population databases (ExAC no frequency). This sequence change replaces serine with proline at codon 365 of the ALDH3A2 protein (p.Ser365Pro). The serine residue is highly conserved and there is a moderate physicochemical difference between serine and proline.

Literature cited by the submitters: PubMed 9829906; PubMed 17902024; PubMed 31273323.

NM_000382.3(ALDH3A2):c.1093T>C (p.Ser365Pro)

Gene: ALDH3A2 (aldehyde dehydrogenase 3 family member A2; plus strand). Cytogenetic location: 17p11.2.
Variant type: single nucleotide variant.
Coding change: c.1093T>C on transcript NM_000382.3 (MANE Select); coding-DNA position 1093, T replaced by C.
Protein change: p.Ser365Pro; replaces serine 365 with proline.
Molecular consequence: missense variant.
Genome position (GRCh38, 1-based): chr17:19,663,485, T>C. VCF-style: chr17-19663485-T-C. GRCh37 (hg19) VCF-style: chr17-19566798-T-C.
Other names: c.1093T>C, p.Ser365Pro (NM_001031806.2, NM_001369136.1, NM_001369137.2 and 3 more transcripts); c.514T>C, p.Ser172Pro (NM_001369148.2); short protein forms S365P, S172P.
Identifiers: ClinVar variation 1509942 (VCV001509942.8), dbSNP rs2152330714, ClinGen allele CA398710258.